The following is an entry in ClinVar:

NM_021615.5(CHST6):c.992A>G (p.Gln331Arg)

Gene: CHST6 (carbohydrate sulfotransferase 6; minus strand). Cytogenetic location: 16q23.1.
Variant type: single nucleotide variant.
Coding change: c.992A>G on transcript NM_021615.5 (MANE Select); coding-DNA position 992, A replaced by G.
Protein change: p.Gln331Arg; replaces glutamine 331 with arginine.
Molecular consequence: missense variant.
Genome position (GRCh38, 1-based): chr16:75,478,837, T>C on the plus strand (A>G on the coding strand, the complement: CHST6 is on the minus strand). VCF-style: chr16-75478837-T-C. GRCh37 (hg19) VCF-style: chr16-75512735-T-C.
Other names: short protein forms Q331R.
Identifiers: ClinVar variation 2128573 (VCV002128573.4), dbSNP rs1167212380, ClinGen allele CA396789053.

ClinVar aggregate classification (germline): Uncertain significance (1 of 4 stars; one submission).

Conditions:
Macular corneal dystrophy (MCD). Also called: GROENOUW TYPE II CORNEAL DYSTROPHY; Macular corneal dystrophy Type I. Identifiers: Orphanet 98969, MedGen C1636149, MONDO:0009020, OMIM 217800.

Allele frequency attached by ClinVar (database versions not stated): TOPMed below 0.00001; gnomAD 0.00001.
gnomAD v4.1: 5 of 1,613,338 alleles (0.00031%); highest among the groups gnomAD compares: Admixed American, 0.005%; no homozygotes.

Submission:

Labcorp Genetics (formerly Invitae), Labcorp
Classification: Uncertain significance for Macular corneal dystrophy. Last evaluated: 2022-11-29. Review status: criteria provided, single submitter. Criteria: Invitae Variant Classification Sherloc (09022015). Collection method: clinical testing. Allele origin: germline.
Comment: In summary, the available evidence is currently insufficient to determine the role of this variant in disease. Therefore, it has been classified as a Variant of Uncertain Significance. Advanced modeling of protein sequence and biophysical properties (such as structural, functional, and spatial information, amino acid conservation, physicochemical variation, residue mobility, and thermodynamic stability) performed at Invitae indicates that this missense variant is not expected to disrupt CHST6 protein function. This variant has not been reported in the literature in individuals affected with CHST6-related conditions. This variant is present in population databases (no rsID available, gnomAD 0.009%). This sequence change replaces glutamine, which is neutral and polar, with arginine, which is basic and polar, at codon 331 of the CHST6 protein (p.Gln331Arg).